The following is an entry in ClinVar:

NM_006939.4(SOS2):c.19C>T (p.Pro7Ser)

Genes: SOS2 (SOS Ras/Rho guanine nucleotide exchange factor 2; minus strand), LOC130055588 (ATAC-STARR-seq lymphoblastoid silent region 5718; plus strand). Cytogenetic location: 14q21.3.
Variant type: single nucleotide variant.
Coding change: c.19C>T on transcript NM_006939.4 (MANE Select); coding-DNA position 19, C replaced by T.
Protein change: p.Pro7Ser; replaces proline 7 with serine.
Molecular consequence: missense variant.
Genome position (GRCh38, 1-based): chr14:50,231,265, G>A on the plus strand (C>T on the coding strand, the complement: SOS2 is on the minus strand). VCF-style: chr14-50231265-G-A. GRCh37 (hg19) VCF-style: chr14-50697983-G-A.
Other names: c.19C>T, p.Pro7Ser (NM_001411020.1); short protein forms P7S.
Identifiers: ClinVar variation 3665653 (VCV003665653.2).

ClinVar aggregate classification (germline): Uncertain significance (1 of 4 stars; one submission).

Conditions:
Noonan syndrome 9 (NS9). Identifiers: Orphanet 648, MedGen C4225282, MONDO:0014691, OMIM 616559.

Submission:

Labcorp Genetics (formerly Invitae), Labcorp
Classification: Uncertain significance for Noonan syndrome 9. Last evaluated: 2024-02-17. Review status: criteria provided, single submitter. Criteria: Invitae Variant Classification Sherloc (09022015). Collection method: clinical testing. Allele origin: germline.
Comment: This sequence change replaces proline, which is neutral and non-polar, with serine, which is neutral and polar, at codon 7 of the SOS2 protein (p.Pro7Ser). This variant is not present in population databases (gnomAD no frequency). This variant has not been reported in the literature in individuals affected with SOS2-related conditions. Advanced modeling of protein sequence and biophysical properties (such as structural, functional, and spatial information, amino acid conservation, physicochemical variation, residue mobility, and thermodynamic stability) performed at Invitae indicates that this missense variant is not expected to disrupt SOS2 protein function with a negative predictive value of 95%. In summary, the available evidence is currently insufficient to determine the role of this variant in disease. Therefore, it has been classified as a Variant of Uncertain Significance.